The following is an entry in ClinVar:

ClinVar aggregate classification (germline): Uncertain significance. Review status: criteria provided, multiple submitters, no conflicts (2 of 4 stars). 3 submissions from 3 submitters: Uncertain significance (3). Last evaluated 2025-03-17.

Conditions:
Congenital myotonia, autosomal recessive form. Also called: myotonia congenita, autosomal recessive; BECKER DISEASE; Becker Generalized Myotonia. Identifiers: Orphanet 614, MedGen C0751360, MONDO:0009715, OMIM 255700.
Congenital myotonia, autosomal dominant form (THD). Also called: Myotonia congenita autosomal dominant; THOMSEN DISEASE. Identifiers: Orphanet 614, MedGen C2936781, MONDO:0008055, OMIM 160800.

Allele frequency attached by ClinVar (database versions not stated): gnomAD exomes 0.00001; TOPMed 0.00001; gnomAD 0.00002 and 0.00003; ExAC 0.00010.
gnomAD v4.1: 19 of 1,564,124 alleles (0.0012%); highest among the groups gnomAD compares: African/African-American, 0.0027%; no homozygotes.

Submissions (3):

Labcorp Genetics (formerly Invitae), Labcorp
Classification: Uncertain significance for Congenital myotonia, autosomal recessive form; Congenital myotonia, autosomal dominant form. Last evaluated: 2025-03-17. Review status: criteria provided, single submitter. Criteria: Invitae Variant Classification Sherloc (09022015). Collection method: clinical testing. Allele origin: germline.
Comment: This sequence change replaces glutamic acid, which is acidic and polar, with glutamine, which is neutral and polar, at codon 683 of the CLCN1 protein (p.Glu683Gln). This variant is present in population databases (rs760351874, gnomAD 0.006%). This variant has not been reported in the literature in individuals affected with CLCN1-related conditions. ClinVar contains an entry for this variant (Variation ID: 462836). Invitae Evidence Modeling of protein sequence and biophysical properties (such as structural, functional, and spatial information, amino acid conservation, physicochemical variation, residue mobility, and thermodynamic stability) has been performed for this missense variant. However, the output from this modeling did not meet the statistical confidence thresholds required to predict the impact of this variant on CLCN1 protein function. In summary, the available evidence is currently insufficient to determine the role of this variant in disease. Therefore, it has been classified as a Variant of Uncertain Significance.

GeneDx
Classification: Uncertain significance. Last evaluated: 2023-02-05. Review status: criteria provided, single submitter. Criteria: GeneDx Variant Classification Process June 2021. Collection method: clinical testing. Allele origin: germline. Affected: yes.
Comment: Not observed at significant frequency in large population cohorts (gnomAD); In silico analysis supports that this missense variant does not alter protein structure/function; Has not been previously published as pathogenic or benign to our knowledge

Revvity Omics, Revvity
Classification: Uncertain significance. Last evaluated: 2021-01-19. Review status: criteria provided, single submitter. Criteria: ACMG Guidelines, 2015. Collection method: clinical testing. Allele origin: germline.

NM_000083.3(CLCN1):c.2047G>C (p.Glu683Gln)

Genes: CLCN1 (chloride voltage-gated channel 1; plus strand), LOC123956257 (Sharpr-MPRA regulatory region 4117; plus strand). Cytogenetic location: 7q34.
Variant type: single nucleotide variant.
Coding change: c.2047G>C on transcript NM_000083.3 (MANE Select); coding-DNA position 2047, G replaced by C.
Protein change: p.Glu683Gln; replaces glutamic acid 683 with glutamine.
Molecular consequence: missense variant. On other transcripts: non-coding transcript variant (1).
Genome position (GRCh38, 1-based): chr7:143,345,637, G>C. VCF-style: chr7-143345637-G-C. GRCh37 (hg19) VCF-style: chr7-143042730-G-C.
Other names: short protein forms E683Q.
Identifiers: ClinVar variation 462836 (VCV000462836.9), dbSNP rs760351874, ClinGen allele CA4537536.